The following is an entry in ClinVar:

NM_001148.6(ANK2):c.2615A>G (p.Asp872Gly)

Gene: ANK2 (ankyrin 2; plus strand). Cytogenetic location: 4q26.
Variant type: single nucleotide variant.
Coding change: c.2615A>G on transcript NM_001148.6 (MANE Select); coding-DNA position 2615, A replaced by G.
Protein change: p.Asp872Gly; replaces aspartic acid 872 with glycine.
Molecular consequence: missense variant.
Genome position (GRCh38, 1-based): chr4:113,311,321, A>G. VCF-style: chr4-113311321-A-G. GRCh37 (hg19) VCF-style: chr4-114232477-A-G.
Other names: c.2552A>G, p.Asp851Gly (NM_001127493.3, NM_001354239.2, NM_001354243.2 and 10 more transcripts); c.2615A>G, p.Asp872Gly (NM_001354225.2, NM_001354228.2, NM_001354232.2 and 6 more transcripts); c.2660A>G, p.Asp887Gly (NM_001354230.2, NM_001354231.2, NM_001354237.2 and 5 more transcripts); c.2516A>G, p.Asp839Gly (NM_001354245.2, NM_001354268.2); c.2528A>G, p.Asp843Gly (NM_001354249.2, NM_001354264.2, NM_001354266.2 and 10 more transcripts); c.2453A>G, p.Asp818Gly (NM_001354253.2, NM_001354257.2, NM_001354270.2 and 1 more transcripts); c.2429A>G, p.Asp810Gly (NM_001354260.2, NM_001354271.2, NM_001386151.1); c.2573A>G, p.Asp858Gly (NM_001354261.2, NM_001386147.1, NM_001386160.1); and 9 more; short protein forms D802G, D81G, D843G, D858G, D887G, D907G, D777G, D810G.
Identifiers: ClinVar variation 5009170 (VCV005009170.1).
Genomic context (GRCh38, chr4:113,311,321, plus strand): 5'-ACACAATGACTGGTGATGGGGGAGAATACCTTAGGCCTGAGGACCTAAAAGAACTGGGTG[A>G]TGACTCACTACCCAGCAGTCAGTTCCTGGATGGTATGAATTACCTGCGATACAGCTTGGA-3'
Protein context (NP_001139.3, residues 862-882): LRPEDLKELG[Asp872Gly]DSLPSSQFLD

ClinVar aggregate classification (germline): Uncertain significance (1 of 4 stars; one submission).

Submission:

GeneDx
Classification: Uncertain significance. Last evaluated: 2026-02-14. Review status: criteria provided, single submitter. Criteria: GeneDx Variant Classification Process June 2021. Collection method: clinical testing. Allele origin: germline.
Comment: Not observed at significant frequency in large population cohorts (gnomAD); In silico analysis supports that this missense variant has a deleterious effect on protein structure/function; Has not been previously published as pathogenic or benign to our knowledge